The following is an entry in ClinVar:

ClinVar aggregate classification (germline): Uncertain significance (1 of 4 stars; one submission).

gnomAD v4.1: 1 of 1,614,194 alleles (0.000062%); highest among the groups gnomAD compares: South Asian, 0.0011%; no homozygotes.

Submission:

Labcorp Genetics (formerly Invitae), Labcorp
Classification: Uncertain significance. Last evaluated: 2024-11-05. Review status: criteria provided, single submitter. Criteria: Invitae Variant Classification Sherloc (09022015). Collection method: clinical testing. Allele origin: germline.
Comment: This sequence change replaces leucine, which is neutral and non-polar, with phenylalanine, which is neutral and non-polar, at codon 383 of the NLRP1 protein (p.Leu383Phe). This variant is not present in population databases (gnomAD no frequency). This variant has not been reported in the literature in individuals affected with NLRP1-related conditions. An algorithm developed to predict the effect of missense changes on protein structure and function (PolyPhen-2) suggests that this variant is likely to be disruptive. In summary, the available evidence is currently insufficient to determine the role of this variant in disease. Therefore, it has been classified as a Variant of Uncertain Significance.

NM_033004.4(NLRP1):c.1147C>T (p.Leu383Phe)

Gene: NLRP1 (NLR family pyrin domain containing 1; minus strand). Cytogenetic location: 17p13.2.
Variant type: single nucleotide variant.
Coding change: c.1147C>T on transcript NM_033004.4 (MANE Select); coding-DNA position 1147, C replaced by T.
Protein change: p.Leu383Phe; replaces leucine 383 with phenylalanine.
Molecular consequence: missense variant.
Genome position (GRCh38, 1-based): chr17:5,559,549, G>A on the plus strand (C>T on the coding strand, the complement: NLRP1 is on the minus strand). VCF-style: chr17-5559549-G-A. GRCh37 (hg19) VCF-style: chr17-5462869-G-A.
Other names: c.1147C>T, p.Leu383Phe (NM_001033053.3, NM_014922.5, NM_033006.4 and 1 more transcripts); short protein forms L383F.
Identifiers: ClinVar variation 3661891 (VCV003661891.2).